The following is an entry in ClinVar:

NM_000088.4(COL1A1):c.322del (p.Thr108fs)

Gene: COL1A1 (collagen type I alpha 1 chain; minus strand). Cytogenetic location: 17q21.33.
Variant type: Deletion.
Coding change: c.322del on transcript NM_000088.4 (MANE Select); coding-DNA position 322, one base deleted (A; older notation c.322delA).
Protein change: p.Thr108fs; shifts the reading frame from threonine 108.
Molecular consequence: frameshift variant.
Genome position (GRCh38, 1-based): chr17:50,199,567, T deleted on the plus strand (A on the coding strand, the reverse complement: COL1A1 is on the minus strand). VCF-style (leftmost placement, unchanged base first): chr17-50199566-GT-G. GRCh37 (hg19) VCF-style: chr17-48276927-GT-G.
Other names: short protein forms T108fs.
Identifiers: ClinVar variation 2711328 (VCV002711328.3), dbSNP rs2509256121, ClinGen allele CA2697560380.

ClinVar aggregate classification (germline): Pathogenic (1 of 4 stars; one submission).

Conditions:
Osteogenesis imperfecta type I (OI1). Also called: Classic Non-deforming Osteogenesis Imperfecta with Blue Sclerae; OI, TYPE I; OSTEOGENESIS IMPERFECTA TARDA; OSTEOGENESIS IMPERFECTA WITH BLUE SCLERAE; Osteogenesis imperfecta type 1; Lobstein's Disease. Identifiers: Orphanet 216796, Orphanet 666, MedGen C0023931, MONDO:0008146, OMIM 166200. Disease mechanism: loss of function.

Submission:

Labcorp Genetics (formerly Invitae), Labcorp
Classification: Pathogenic for Osteogenesis imperfecta type I. Last evaluated: 2024-01-25. Review status: criteria provided, single submitter. Criteria: Invitae Variant Classification Sherloc (09022015). Collection method: clinical testing. Allele origin: germline.
Comment: This sequence change creates a premature translational stop signal (p.Thr108Profs*157) in the COL1A1 gene. It is expected to result in an absent or disrupted protein product. Loss-of-function variants in COL1A1 are known to be pathogenic (PMID: 7942841, 9295084, 9443882). This variant is not present in population databases (gnomAD no frequency). This variant has not been reported in the literature in individuals affected with COL1A1-related conditions. For these reasons, this variant has been classified as Pathogenic.

Literature cited by the submitters: PubMed 7942841; PubMed 9295084; PubMed 9443882.